The following is an entry in ClinVar:

NM_004370.6(COL12A1):c.6477G>A (p.Met2159Ile)

Gene: COL12A1 (collagen type XII alpha 1 chain; minus strand). Cytogenetic location: 6q13.
Variant type: single nucleotide variant.
Coding change: c.6477G>A on transcript NM_004370.6 (MANE Select); coding-DNA position 6477, G replaced by A.
Protein change: p.Met2159Ile; replaces methionine 2159 with isoleucine.
Molecular consequence: missense variant.
Genome position (GRCh38, 1-based): chr6:75,125,257, C>T on the plus strand (G>A on the coding strand, the complement: COL12A1 is on the minus strand). VCF-style: chr6-75125257-C-T. GRCh37 (hg19) VCF-style: chr6-75834973-C-T.
Other names: c.6477G>A, p.Met2159Ile (NM_001424113.1); c.6456G>A, p.Met2152Ile (NM_001424114.1); c.6204G>A, p.Met2068Ile (NM_001424115.1); c.2985G>A, p.Met995Ile (NM_001424116.1, NM_080645.3); short protein forms M2068I, M2159I, M995I, M2152I.
Identifiers: ClinVar variation 4794052 (VCV004794052.1).

ClinVar aggregate classification (germline): Uncertain significance (1 of 4 stars; one submission).

Conditions:
Ullrich congenital muscular dystrophy 2 (UCMD2). Identifiers: Orphanet 75840, MedGen C4225314, MONDO:0014654, OMIM 616470.
Bethlem myopathy 2 (BTHLM2). Identifiers: Orphanet 536516, Orphanet 610, MedGen C4225313, MONDO:0034022, OMIM 616471.

gnomAD v4.1: 8 of 1,606,692 alleles (0.0005%); highest among the groups gnomAD compares: Non-Finnish European, 0.00059%; no homozygotes.

Submission:

Labcorp Genetics (formerly Invitae), Labcorp
Classification: Uncertain significance for Bethlem myopathy 2; Ullrich congenital muscular dystrophy 2. Last evaluated: 2025-08-08. Review status: criteria provided, single submitter. Criteria: Invitae Variant Classification Sherloc (09022015). Collection method: clinical testing. Allele origin: germline.
Comment: This sequence change replaces methionine, which is neutral and non-polar, with isoleucine, which is neutral and non-polar, at codon 2159 of the COL12A1 protein (p.Met2159Ile). This variant is present in population databases (no rsID available, gnomAD 0.005%). This variant has not been reported in the literature in individuals affected with COL12A1-related conditions. Invitae Evidence Modeling of protein sequence and biophysical properties (such as structural, functional, and spatial information, amino acid conservation, physicochemical variation, residue mobility, and thermodynamic stability) indicates that this missense variant is not expected to disrupt COL12A1 protein function with a negative predictive value of 80%. In summary, the available evidence is currently insufficient to determine the role of this variant in disease. Therefore, it has been classified as a Variant of Uncertain Significance.